The following is an entry in ClinVar:

ClinVar aggregate classification (germline): Uncertain significance. Review status: criteria provided, multiple submitters, no conflicts (2 of 4 stars). 2 submissions from 2 submitters: Uncertain significance (2). Last evaluated 2025-03-08.

Conditions:
Very long chain acyl-CoA dehydrogenase deficiency (ACADVLD). Also called: Very Long-Chain Acyl-Coenzyme A Dehydrogenase Deficiency; VLCAD Deficiency. Identifiers: Orphanet 26793, MedGen C3887523, MONDO:0008723, OMIM 201475.

Allele frequency attached by ClinVar (database versions not stated): gnomAD 0.00001; TOPMed 0.00001.
gnomAD v4.1: 1 of 1,613,914 alleles (0.000062%); highest among the groups gnomAD compares: Non-Finnish European, 0.000085%; no homozygotes.

Submissions (2):

Women's Health and Genetics/Laboratory Corporation of America, LabCorp
Classification: Uncertain significance. Last evaluated: 2025-03-08. Review status: criteria provided, single submitter. Criteria: LabCorp Variant Classification Summary - May 2015. Collection method: clinical testing. Allele origin: germline.

Labcorp Genetics (formerly Invitae), Labcorp
Classification: Uncertain significance for Very long chain acyl-CoA dehydrogenase deficiency. Last evaluated: 2024-10-03. Review status: criteria provided, single submitter. Criteria: Invitae Variant Classification Sherloc (09022015). Collection method: clinical testing. Allele origin: germline.
Comment: This sequence change replaces methionine, which is neutral and non-polar, with valine, which is neutral and non-polar, at codon 334 of the ACADVL protein (p.Met334Val). This variant is not present in population databases (gnomAD no frequency). This variant has not been reported in the literature in individuals affected with ACADVL-related conditions. ClinVar contains an entry for this variant (Variation ID: 1512963). Invitae Evidence Modeling of protein sequence and biophysical properties (such as structural, functional, and spatial information, amino acid conservation, physicochemical variation, residue mobility, and thermodynamic stability) indicates that this missense variant is not expected to disrupt ACADVL protein function with a negative predictive value of 80%. This variant disrupts the p.Met334 amino acid residue in ACADVL. Other variant(s) that disrupt this residue have been determined to be pathogenic (PMID: 27209629; internal data). This suggests that this residue is clinically significant, and that variants that disrupt this residue are likely to be disease-causing. In summary, the available evidence is currently insufficient to determine the role of this variant in disease. Therefore, it has been classified as a Variant of Uncertain Significance.

Literature cited by the submitters: PubMed 27209629 (cited by Labcorp Genetics (formerly Invitae), Labcorp).

NM_000018.4(ACADVL):c.1000A>G (p.Met334Val)

Gene: ACADVL (acyl-CoA dehydrogenase very long chain; plus strand). Cytogenetic location: 17p13.1.
Variant type: single nucleotide variant.
Coding change: c.1000A>G on transcript NM_000018.4 (MANE Select); coding-DNA position 1000, A replaced by G.
Protein change: p.Met334Val; replaces methionine 334 with valine.
Molecular consequence: missense variant.
Genome position (GRCh38, 1-based): chr17:7,222,788, A>G. VCF-style: chr17-7222788-A-G. GRCh37 (hg19) VCF-style: chr17-7126107-A-G.
Other names: c.934A>G, p.Met312Val (NM_001033859.3); c.1069A>G, p.Met357Val (NM_001270447.2); c.772A>G, p.Met258Val (NM_001270448.2); short protein forms M312V, M334V, M258V, M357V.
Identifiers: ClinVar variation 1512963 (VCV001512963.8), dbSNP rs1487767890, ClinGen allele CA397724135.